The following is an entry in ClinVar:

NM_002242.4(KCNJ13):c.*761C>T

Genes: KCNJ13 (potassium inwardly rectifying channel subfamily J member 13; minus strand), GIGYF2 (GRB10 interacting GYF protein 2; plus strand). Cytogenetic location: 2q37.1.
Variant type: single nucleotide variant.
Coding change: c.*761C>T on transcript NM_002242.4 (MANE Select); 761 bases downstream of the stop codon, C replaced by T.
Molecular consequence: 3 prime UTR variant. On other transcripts: intron variant (4).
Genome position (GRCh38, 1-based): chr2:232,767,430, G>A on the plus strand (C>T on the coding strand, the complement: KCNJ13 is on the minus strand). VCF-style: chr2-232767430-G-A. GRCh37 (hg19) VCF-style: chr2-233632140-G-A.
Other names: c.*1323C>T (NM_001172416.1); c.*761C>T (NM_001172417.1); c.532+5994G>A (NM_001103146.3, NM_015575.4, NM_001103147.2 and 1 more transcripts).
Identifiers: ClinVar variation 335041 (VCV000335041.5), dbSNP rs41265971, ClinGen allele CA10614615.

ClinVar aggregate classification (germline): Likely benign (1 of 4 stars; one submission).

Conditions:
Leber congenital amaurosis 16 (LCA16). Identifiers: Orphanet 65, MedGen C3280062, MONDO:0013613, OMIM 614186.

Allele frequency attached by ClinVar (database versions not stated): gnomAD 0.00938 and 0.00988; TOPMed 0.01071; 1000 Genomes Project 0.01298; 1000 Genomes Project 30x 0.01359.

Submission:

Illumina Laboratory Services, Illumina
Classification: Likely benign for Leber congenital amaurosis 16. Last evaluated: 2018-01-13. Review status: criteria provided, single submitter. Criteria: ICSL Variant Classification Criteria 13 December 2019. Collection method: clinical testing. Allele origin: germline.
Comment: This variant was observed in the ICSL laboratory as part of a predisposition screen in an ostensibly healthy population. It had not been previously curated by ICSL or reported in the Human Gene Mutation Database (HGMD: prior to June 1st, 2018), and was therefore a candidate for classification through an automated scoring system. Utilizing variant allele frequency, disease prevalence and penetrance estimates, and inheritance mode, an automated score was calculated to assess if this variant is too frequent to cause the disease. Based on the score and internal cut-off values, a variant classified as likely benign is not then subjected to further curation. The score for this variant resulted in a classification of likely benign for this disease.